The following is an entry in ClinVar:

NM_000245.4(MET):c.1550G>T (p.Gly517Val)

Gene: MET (MET proto-oncogene, receptor tyrosine kinase; plus strand). Cytogenetic location: 7q31.2.
Variant type: single nucleotide variant.
Coding change: c.1550G>T on transcript NM_000245.4 (MANE Select); coding-DNA position 1550, G replaced by T.
Protein change: p.Gly517Val; replaces glycine 517 with valine.
Molecular consequence: missense variant.
Genome position (GRCh38, 1-based): chr7:116,740,874, G>T. VCF-style: chr7-116740874-G-T. GRCh37 (hg19) VCF-style: chr7-116380928-G-T.
Other names: c.1550G>T, p.Gly517Val (NM_001127500.3, NM_001324401.3); c.260G>T, p.Gly87Val (NM_001324402.2); short protein forms G87V, G517V.
Identifiers: ClinVar variation 4053949 (VCV004053949.1).
Genomic context (GRCh38, chr7:116,740,874, plus strand): 5'-ACCCCTCTGGAAGCTCTTTCCACCCCTTCTCTTCACAGATCACGAAGATCCCATTGAATG[G>T]CTTGGGCTGCAGACATTTCCAGTCCTGCAGTCAATGCCTCTCTGCCCCACCCTTTGTTCA-3'
Protein context (NP_000236.2, residues 507-527): GKKITKIPLN[Gly517Val]LGCRHFQSCS

ClinVar aggregate classification (germline): Uncertain significance (1 of 4 stars; one submission).

Conditions:
Hereditary cancer-predisposing syndrome. Also called: Neoplastic Syndromes, Hereditary; Tumor predisposition; Hereditary neoplastic syndrome; Hereditary Cancer Syndrome. Identifiers: Orphanet 140162, MedGen C0027672, MeSH D009386, MONDO:0015356.

gnomAD v4.1: 1 of 1,614,034 alleles (0.000062%); highest among the groups gnomAD compares: African/African-American, 0.0013%; no homozygotes.

Submission:

Ambry Genetics
Classification: Uncertain significance for Hereditary cancer-predisposing syndrome. Last evaluated: 2025-04-12. Review status: criteria provided, single submitter. Criteria: Ambry Variant Classification Scheme 2023. Collection method: clinical testing. Allele origin: germline.
Comment: The p.G517V variant (also known as c.1550G>T), located in coding exon 4 of the MET gene, results from a G to T substitution at nucleotide position 1550. The glycine at codon 517 is replaced by valine, an amino acid with dissimilar properties. This amino acid position is conserved. In addition, the in silico prediction for this alteration is inconclusive. Based on the available evidence, the clinical significance of this variant remains unclear.